The following is an entry in ClinVar:

NM_000878.5(IL2RB):c.475C>T (p.His159Tyr)

Gene: IL2RB (interleukin 2 receptor subunit beta; minus strand). Cytogenetic location: 22q12.3.
Variant type: single nucleotide variant.
Coding change: c.475C>T on transcript NM_000878.5 (MANE Select); coding-DNA position 475, C replaced by T.
Protein change: p.His159Tyr; replaces histidine 159 with tyrosine.
Molecular consequence: missense variant.
Genome position (GRCh38, 1-based): chr22:37,137,649, G>A on the plus strand (C>T on the coding strand, the complement: IL2RB is on the minus strand). VCF-style: chr22-37137649-G-A. GRCh37 (hg19) VCF-style: chr22-37533689-G-A.
Other names: c.475C>T, p.His159Tyr (NM_001346222.1, NM_001346223.2); short protein forms H159Y.
Identifiers: ClinVar variation 1373488 (VCV001373488.8), dbSNP rs2146237259, ClinGen allele CA411428103.

ClinVar aggregate classification (germline): Uncertain significance (1 of 4 stars; one submission).

Submission:

Labcorp Genetics (formerly Invitae), Labcorp
Classification: Uncertain significance. Last evaluated: 2021-03-25. Review status: criteria provided, single submitter. Criteria: Invitae Variant Classification Sherloc (09022015). Collection method: clinical testing. Allele origin: germline.
Comment: This sequence change replaces histidine with tyrosine at codon 159 of the IL2RB protein (p.His159Tyr). The histidine residue is highly conserved and there is a moderate physicochemical difference between histidine and tyrosine. In summary, the available evidence is currently insufficient to determine the role of this variant in disease. Therefore, it has been classified as a Variant of Uncertain Significance. Algorithms developed to predict the effect of missense changes on protein structure and function are either unavailable or do not agree on the potential impact of this missense change (SIFT: "Deleterious"; PolyPhen-2: "Possibly Damaging"; Align-GVGD: "Class C0"). This variant has not been reported in the literature in individuals with IL2RB-related conditions. This variant is not present in population databases (ExAC no frequency).